The following is an entry in ClinVar:

NM_004183.4(BEST1):c.896G>A (p.Gly299Glu)

Gene: BEST1 (bestrophin 1; plus strand). Cytogenetic location: 11q12.3.
Variant type: single nucleotide variant.
Coding change: c.896G>A on transcript NM_004183.4 (MANE Select); coding-DNA position 896, G replaced by A.
Protein change: p.Gly299Glu; replaces glycine 299 with glutamic acid.
Molecular consequence: missense variant. On other transcripts: non-coding transcript variant (1), intron variant (1).
Genome position (GRCh38, 1-based): chr11:61,959,526, G>A. VCF-style: chr11-61959526-G-A. GRCh37 (hg19) VCF-style: chr11-61726998-G-A.
Other names: c.716G>A, p.Gly239Glu (NM_001139443.3, NM_001300787.2); c.578G>A, p.Gly193Glu (NM_001363591.3); c.1099G>A, p.Glu367Lys (NM_001363592.2); c.-77G>A (NM_001363593.3); c.688-366G>A (NM_001300786.2); short protein forms G299E, E367K, G193E, G239E.
Identifiers: ClinVar variation 2729 (VCV000002729.8), dbSNP rs28941468, ClinGen allele CA227838.
Genomic context (GRCh38, chr11:61,959,526, plus strand): 5'-TGAGGGTTTACAGAGCCTCACCTGTCCCCAAGGTGGCAGAGCAGCTCATCAACCCCTTTG[G>A]AGAGGATGATGATGATTTTGAGACCAACTGGATTGTCGACAGGAATTTGCAGGTATGGGG-3'
Protein context (NP_004174.1, residues 289-309): KVAEQLINPF[Gly299Glu]EDDDDFETNW

ClinVar aggregate classification (germline): Pathogenic. Review status: criteria provided, multiple submitters, no conflicts (2 of 4 stars). 4 submissions from 4 submitters: Pathogenic (2). 2 of the submissions do not count toward it. Last evaluated 2023-01-01.

Conditions:
Retinal dystrophy. Also called: Inherited retinal dystrophy. Identifiers: Orphanet 71862, MedGen C0854723, MeSH D058499, MONDO:0019118, HP:0000556.
Vitelliform macular dystrophy 2. Also called: VITELLIFORM MACULAR DYSTROPHY, EARLY-ONSET; VITELLIFORM MACULAR DYSTROPHY, JUVENILE-ONSET; Best vitelliform macular dystrophy, multifocal; Best Macular Dystrophy; MACULAR DEGENERATION, POLYMORPHIC VITELLINE; Best Vitelliform Macular Dystrophy (BVMD). Identifiers: Orphanet 1243, MedGen C2745945, MONDO:0007931, OMIM 153700.

Allele frequency attached by ClinVar (database versions not stated): gnomAD exomes below 0.00001.

Submissions (4):

Institute of Human Genetics, Univ. Regensburg, Univ. Regensburg
Classification: Pathogenic for Retinal dystrophy. Last evaluated: 2023-01-01. Review status: criteria provided, single submitter. Criteria: ACMG Guidelines, 2015. Collection method: clinical testing. Allele origin: germline. Affected: yes.

Labcorp Genetics (formerly Invitae), Labcorp
Classification: Pathogenic. Last evaluated: 2021-11-11. Review status: criteria provided, single submitter. Criteria: Invitae Variant Classification Sherloc (09022015). Collection method: clinical testing. Allele origin: germline.
Comment: ClinVar contains an entry for this variant (Variation ID: 2729). For these reasons, this variant has been classified as Pathogenic. Experimental studies have shown that this missense change affects BEST1 function (PMID: 11904445, 12939260, 19372599). Advanced modeling of protein sequence and biophysical properties (such as structural, functional, and spatial information, amino acid conservation, physicochemical variation, residue mobility, and thermodynamic stability) performed at Invitae indicates that this missense variant is expected to disrupt BEST1 protein function. This missense change has been observed in individual(s) with autosomal dominant Best vitelliform macular dystrophy (PMID: 9662395). It has also been observed to segregate with disease in related individuals. This variant is not present in population databases (gnomAD no frequency). This sequence change replaces glycine, which is neutral and non-polar, with glutamic acid, which is acidic and polar, at codon 299 of the BEST1 protein (p.Gly299Glu).

OMIM
Classification: Pathogenic for MACULAR DYSTROPHY, VITELLIFORM, 2. Last evaluated: 1998-07-01. Review status: no assertion criteria provided. Collection method: literature only. Allele origin: germline. Not counted in ClinVar's aggregate classification.

Retina International
No classification provided. Review status: no classification provided. Collection method: not provided. Allele origin: not provided. Not counted in ClinVar's aggregate classification.

Literature cited by the submitters: PubMed 9662395 (cited by 3 submitters); PubMed 12939260 (cited by Institute of Human Genetics, Univ. Regensburg, Univ. Regensburg and Labcorp Genetics (formerly Invitae), Labcorp); PubMed 19372599 (cited by Institute of Human Genetics, Univ. Regensburg, Univ. Regensburg and Labcorp Genetics (formerly Invitae), Labcorp); PubMed 11904445 (cited by Labcorp Genetics (formerly Invitae), Labcorp).